The following is an entry in ClinVar:

NM_000038.6(APC):c.2714G>A (p.Ser905Asn)

Gene: APC (APC regulator of Wnt signaling pathway; plus strand). Cytogenetic location: 5q22.2.
Variant type: single nucleotide variant.
Coding change: c.2714G>A on transcript NM_000038.6 (MANE Select); coding-DNA position 2714, G replaced by A.
Protein change: p.Ser905Asn; replaces serine 905 with asparagine.
Molecular consequence: missense variant.
Genome position (GRCh38, 1-based): chr5:112,838,308, G>A. VCF-style: chr5-112838308-G-A. GRCh37 (hg19) VCF-style: chr5-112174005-G-A.
Other names: c.2714G>A, p.Ser905Asn (NM_001127510.3, NM_001354895.2); c.2660G>A, p.Ser887Asn (NM_001127511.3); c.2768G>A, p.Ser923Asn (NM_001354896.2); c.2744G>A, p.Ser915Asn (NM_001354897.2); c.2639G>A, p.Ser880Asn (NM_001354898.2); c.2630G>A, p.Ser877Asn (NM_001354899.2); c.2591G>A, p.Ser864Asn (NM_001354900.2); c.2537G>A, p.Ser846Asn (NM_001354901.2); and 6 more; short protein forms S622N, S745N, S779N, S804N, S814N, S846N, S864N, S877N.
Identifiers: ClinVar variation 1015011 (VCV001015011.13), dbSNP rs1580626106, ClinGen allele CA16027256.

ClinVar aggregate classification (germline): Uncertain significance. Review status: criteria provided, multiple submitters, no conflicts (2 of 4 stars). 4 submissions from 4 submitters: Uncertain significance (4). Last evaluated 2025-06-19.

Conditions:
Hereditary cancer-predisposing syndrome. Also called: Hereditary Cancer Syndrome; Tumor predisposition; Neoplastic Syndromes, Hereditary; Hereditary neoplastic syndrome. Identifiers: Orphanet 140162, MedGen C0027672, MeSH D009386, MONDO:0015356.
Classic or attenuated familial adenomatous polyposis. Identifiers: MedGen CN372698, MONDO:0021057.
Familial adenomatous polyposis 1 (FAP1). Also called: FAMILIAL ADENOMATOUS POLYPOSIS 1, ATTENUATED; POLYPOSIS, ADENOMATOUS INTESTINAL. Identifiers: MedGen C2713442, MONDO:0021056, OMIM 175100. Disease mechanism: loss of function.

Submissions (4):

Ambry Genetics
Classification: Uncertain significance for Hereditary cancer-predisposing syndrome. Last evaluated: 2025-06-19. Review status: criteria provided, single submitter. Criteria: Ambry Variant Classification Scheme 2023. Collection method: clinical testing. Allele origin: germline.
Comment: The p.S905N variant (also known as c.2714G>A), located in coding exon 15 of the APC gene, results from a G to A substitution at nucleotide position 2714. The serine at codon 905 is replaced by asparagine, an amino acid with highly similar properties. This amino acid position is conserved. In addition, in silico predictors for this gene do not accurately predict pathogenicity. Based on the available evidence, the clinical significance of this variant remains unclear.

Labcorp Genetics (formerly Invitae), Labcorp
Classification: Uncertain significance for Familial adenomatous polyposis 1. Last evaluated: 2024-01-04. Review status: criteria provided, single submitter. Criteria: Invitae Variant Classification Sherloc (09022015). Collection method: clinical testing. Allele origin: germline.
Comment: This sequence change replaces serine, which is neutral and polar, with asparagine, which is neutral and polar, at codon 905 of the APC protein (p.Ser905Asn). This variant is not present in population databases (gnomAD no frequency). This variant has not been reported in the literature in individuals affected with APC-related conditions. ClinVar contains an entry for this variant (Variation ID: 1015011). Advanced modeling of protein sequence and biophysical properties (such as structural, functional, and spatial information, amino acid conservation, physicochemical variation, residue mobility, and thermodynamic stability) performed at Invitae indicates that this missense variant is not expected to disrupt APC protein function with a negative predictive value of 95%. In summary, the available evidence is currently insufficient to determine the role of this variant in disease. Therefore, it has been classified as a Variant of Uncertain Significance.

All of Us Research Program, National Institutes of Health
Classification: Uncertain significance for Classic or attenuated familial adenomatous polyposis. Last evaluated: 2023-12-01. Review status: criteria provided, single submitter. Criteria: ACMG Guidelines, 2015. Collection method: clinical testing. Allele origin: germline. Inheritance: Autosomal dominant inheritance. Observed: 1 variant allele, 1 heterozygote.
Comment: This study involves interpretation of variants in research participants for the purpose of population health screening. Participant phenotype was not available at the time of variant classification. Additional details can be found in publication PMID: 35346344, PMCID: PMC8962531

GeneDx
Classification: Uncertain significance. Last evaluated: 2023-04-26. Review status: criteria provided, single submitter. Criteria: GeneDx Variant Classification Process June 2021. Collection method: clinical testing. Allele origin: germline. Affected: yes.
Comment: Not observed at significant frequency in large population cohorts (gnomAD); In silico analysis supports that this missense variant does not alter protein structure/function; Has not been previously published as pathogenic or benign to our knowledge